The following is an entry in ClinVar:

ClinVar aggregate classification (germline): Uncertain significance. Review status: criteria provided, multiple submitters, no conflicts (2 of 4 stars). 2 submissions from 2 submitters: Uncertain significance (2). Last evaluated 2025-06-01.

Conditions:
Emery-Dreifuss muscular dystrophy 5, autosomal dominant (EDMD5). Also called: EMERY-DREIFUSS MUSCULAR DYSTROPHY 5. Identifiers: Orphanet 261, MedGen C2751805, MONDO:0013072, OMIM 612999.

Allele frequency attached by ClinVar (database versions not stated): gnomAD exomes below 0.00001; gnomAD 0.00001; ExAC 0.00002; TOPMed 0.00002.
gnomAD v4.1: 3 of 1,614,138 alleles (0.00019%); highest among the groups gnomAD compares: African/African-American, 0.004%; no homozygotes.

Submissions (2):

CeGaT Center for Human Genetics Tuebingen
Classification: Uncertain significance. Last evaluated: 2025-06-01. Review status: criteria provided, single submitter. Criteria: CeGaT Center For Human Genetics Tuebingen Variant Classification Criteria Version 2. Collection method: clinical testing. Allele origin: germline. Affected: yes. Observed: 1 variant allele.

Labcorp Genetics (formerly Invitae), Labcorp
Classification: Uncertain significance for Emery-Dreifuss muscular dystrophy 5, autosomal dominant. Last evaluated: 2023-10-04. Review status: criteria provided, single submitter. Criteria: Invitae Variant Classification Sherloc (09022015). Collection method: clinical testing. Allele origin: germline.
Comment: This sequence change replaces aspartic acid, which is acidic and polar, with asparagine, which is neutral and polar, at codon 6088 of the SYNE2 protein (p.Asp6088Asn). This variant is present in population databases (rs762744919, gnomAD 0.01%). This variant has not been reported in the literature in individuals affected with SYNE2-related conditions. An algorithm developed to predict the effect of missense changes on protein structure and function (PolyPhen-2) suggests that this variant is likely to be disruptive. In summary, the available evidence is currently insufficient to determine the role of this variant in disease. Therefore, it has been classified as a Variant of Uncertain Significance.

NM_182914.3(SYNE2):c.18262G>A (p.Asp6088Asn)

Gene: SYNE2 (spectrin repeat containing nuclear envelope protein 2; plus strand). Cytogenetic location: 14q23.2.
Variant type: single nucleotide variant.
Coding change: c.18262G>A on transcript NM_182914.3 (MANE Select); coding-DNA position 18262, G replaced by A.
Protein change: p.Asp6088Asn; replaces aspartic acid 6088 with asparagine.
Molecular consequence: missense variant.
Genome position (GRCh38, 1-based): chr14:64,208,818, G>A. VCF-style: chr14-64208818-G-A. GRCh37 (hg19) VCF-style: chr14-64675536-G-A.
Other names: c.18262G>A, p.Asp6088Asn (NM_015180.6); short protein forms D6088N.
Identifiers: ClinVar variation 2901477 (VCV002901477.11), dbSNP rs762744919, ClinGen allele CA7224023.